The following is an entry in ClinVar:

NM_003011.4(SET):c.169G>C (p.Glu57Gln)

Gene: SET (SET nuclear proto-oncogene; plus strand). Cytogenetic location: 9q34.11.
Variant type: single nucleotide variant.
Coding change: c.169G>C on transcript NM_003011.4 (MANE Select); coding-DNA position 169, G replaced by C.
Protein change: p.Glu57Gln; replaces glutamic acid 57 with glutamine.
Molecular consequence: missense variant.
Genome position (GRCh38, 1-based): chr9:128,691,895, G>C. VCF-style: chr9-128691895-G-C. GRCh37 (hg19) VCF-style: chr9-131454174-G-C.
Other names: c.208G>C, p.Glu70Gln (NM_001122821.2, NM_001374326.1); c.142G>C, p.Glu48Gln (NM_001248000.2); c.136G>C, p.Glu46Gln (NM_001248001.2); short protein forms E46Q, E48Q, E57Q, E70Q.
Identifiers: ClinVar variation 4881507 (VCV004881507.2).
Genomic context (GRCh38, chr9:128,691,895, plus strand): 5'-ACATCTCTTTTCATTTGCTTCAGACTTAATGAACAAGCCAGTGAGGAGATTTTGAAAGTA[G>C]AACAGAAATATAACAAACTCCGCCAACCATTTTTTCAGAAGAGGTCAGAATTGATCGCCA-3'
Protein context (NP_003002.2, residues 47-67): EQASEEILKV[Glu57Gln]QKYNKLRQPF

ClinVar aggregate classification (germline): Uncertain significance (1 of 4 stars; one submission).

Conditions:
Intellectual developmental disorder, autosomal dominant 58. Also called: MENTAL RETARDATION, AUTOSOMAL DOMINANT 58; Intellectual disability, autosomal dominant 58. Identifiers: MedGen C4748195, MONDO:0020847, OMIM 618106.

Submission:

Dasa
Classification: Uncertain significance for Intellectual developmental disorder, autosomal dominant 58. Last evaluated: 2025-07-26. Review status: criteria provided, single submitter. Criteria: DASA Assertion Criteria. Collection method: clinical testing. Allele origin: germline.
Comment: NM_003011.4(SET):c.169G>C (p.Glu57Gln) is a missense variant that results in the substitution of glutamic acid with glutamine. This variant is absent from population databases. The currently available literature and clinical evidence are not sufficient to establish a definitive association between this variant and the reported condition. Therefore, this variant is classified as a variant of uncertain significance.